The following is an entry in ClinVar:

NM_005157.6(ABL1):c.2831A>G (p.Asp944Gly)

Gene: ABL1 (ABL proto-oncogene 1, non-receptor tyrosine kinase; plus strand). Cytogenetic location: 9q34.12.
Variant type: single nucleotide variant.
Coding change: c.2831A>G on transcript NM_005157.6 (MANE Select); coding-DNA position 2831, A replaced by G.
Protein change: p.Asp944Gly; replaces aspartic acid 944 with glycine.
Molecular consequence: missense variant.
Genome position (GRCh38, 1-based): chr9:130,885,121, A>G. VCF-style: chr9-130885121-A-G. GRCh37 (hg19) VCF-style: chr9-133760508-A-G.
Other names: c.2888A>G, p.Asp963Gly (NM_007313.3); short protein forms D944G, D963G.
Identifiers: ClinVar variation 4801868 (VCV004801868.1).
Genomic context (GRCh38, chr9:130,885,121, plus strand): 5'-GGGAGGCAGTCCTGGGCGCAAAGACAAAAGCCACGAGTCTGGTTGATGCTGTGAACAGTG[A>G]CGCTGCCAAGCCCAGCCAGCCGGGAGAGGGCCTCAAAAAGCCCGTGCTCCCGGCCACTCC-3'
Protein context (NP_005148.2, residues 934-954): ATSLVDAVNS[Asp944Gly]AAKPSQPGEG

ClinVar aggregate classification (germline): Uncertain significance (1 of 4 stars; one submission).

Submission:

Labcorp Genetics (formerly Invitae), Labcorp
Classification: Uncertain significance. Last evaluated: 2025-04-11. Review status: criteria provided, single submitter. Criteria: Invitae Variant Classification Sherloc (09022015). Collection method: clinical testing. Allele origin: germline.
Comment: This sequence change replaces aspartic acid, which is acidic and polar, with glycine, which is neutral and non-polar, at codon 963 of the ABL1 protein (p.Asp963Gly). This variant is not present in population databases (gnomAD no frequency). This variant has not been reported in the literature in individuals affected with ABL1-related conditions. Invitae Evidence Modeling of protein sequence and biophysical properties (such as structural, functional, and spatial information, amino acid conservation, physicochemical variation, residue mobility, and thermodynamic stability) indicates that this missense variant is not expected to disrupt ABL1 protein function with a negative predictive value of 95%. In summary, the available evidence is currently insufficient to determine the role of this variant in disease. Therefore, it has been classified as a Variant of Uncertain Significance.